The following is an entry in ClinVar:

ClinVar aggregate classification (germline): Uncertain significance (1 of 4 stars; one submission).

Allele frequency attached by ClinVar (database versions not stated): ExAC 0.00001.
gnomAD v4.1: 43 of 1,610,238 alleles (0.0027%); highest among the groups gnomAD compares: Non-Finnish European, 0.0037%; no homozygotes.

Submission:

Ambry Genetics
Classification: Uncertain significance. Last evaluated: 2022-11-27. Review status: criteria provided, single submitter. Criteria: Ambry Variant Classification Scheme 2023. Collection method: clinical testing. Allele origin: germline.
Comment: The p.H157L variant (also known as c.470A>T), located in coding exon 5 of the NEBL gene, results from an A to T substitution at nucleotide position 470. The histidine at codon 157 is replaced by leucine, an amino acid with similar properties. This amino acid position is conserved. In addition, this alteration is predicted to be tolerated by in silico analysis. Since supporting evidence is limited at this time, the clinical significance of this alteration remains unclear.

NM_006393.3(NEBL):c.470A>T (p.His157Leu)

Gene: NEBL (nebulette; minus strand). Cytogenetic location: 10p12.31.
Variant type: single nucleotide variant.
Coding change: c.470A>T on transcript NM_006393.3 (MANE Select); coding-DNA position 470, A replaced by T.
Protein change: p.His157Leu; replaces histidine 157 with leucine.
Molecular consequence: missense variant. On other transcripts: intron variant (9).
Genome position (GRCh38, 1-based): chr10:20,880,804, T>A on the plus strand (A>T on the coding strand, the complement: NEBL is on the minus strand). VCF-style: chr10-20880804-T-A. GRCh37 (hg19) VCF-style: chr10-21169733-T-A.
Other names: c.250-67864A>T (NM_001377326.1, NM_001377327.1, NM_001377328.1); c.358-67864A>T (NM_213569.2, NM_001173484.2, NM_001377322.1); c.301-67864A>T (NM_001377324.1); c.292-67864A>T (NM_001377325.1); c.310-67864A>T (NM_001377323.1); short protein forms H157L.
Identifiers: ClinVar variation 2448877 (VCV002448877.2), dbSNP rs765163262, ClinGen allele CA5433243.
Genomic context (GRCh38, chr10:20,880,804, plus strand): 5'-ATGACTTAACTACAGTTCGCTAGAAAATCATGAGAAATGCGCTTCCTTACATTACTCTGG[T>A]GTTTATTGACCTCCATGGCATGTTTAACCTCAGGGGGCTCCTTCATGTGGGCATAATCTG-3'
Protein context (NP_006384.1, residues 147-167): EVKHAMEVNK[His157Leu]QSNISYRKDV